The following is an entry in ClinVar:

NM_000377.3(WAS):c.1157del (p.Pro386fs)

Gene: WAS (WASP actin nucleation promoting factor; plus strand). Cytogenetic location: Xp11.23.
Variant type: Deletion.
Coding change: c.1157del on transcript NM_000377.3 (MANE Select); coding-DNA position 1157, one base deleted (C; older notation c.1157delC).
Protein change: p.Pro386fs; shifts the reading frame from proline 386.
Molecular consequence: frameshift variant.
Genome position (GRCh38, 1-based): chrX:48,688,885, C deleted; the last of 5 consecutive C bases (chrX:48,688,881-48,688,885); deleting any one gives the same sequence. VCF-style (leftmost placement, unchanged base first): chrX-48688880-AC-A. GRCh37 (hg19) VCF-style: chrX-48547269-AC-A.
Other names: short protein forms P386fs.
Identifiers: ClinVar variation 977729 (VCV000977729.7), dbSNP rs886041379, ClinGen allele CA1139667532.

ClinVar aggregate classification (germline): Pathogenic/Likely pathogenic. Review status: criteria provided, multiple submitters, no conflicts (2 of 4 stars). 2 submissions from 2 submitters: Pathogenic (1); Likely pathogenic (1). Last evaluated 2020-08-05.

Conditions:
Wiskott-Aldrich syndrome (WAS). Also called: WISKOTT-ALDRICH SYNDROME 1; ALDRICH SYNDROME; IMMUNODEFICIENCY 2; Wiskott-aldrich syndrome, somatic. Identifiers: Orphanet 906, MedGen C0043194, MONDO:0010518, OMIM 301000.
X-linked severe congenital neutropenia (SCNX). Identifiers: Orphanet 86788, MedGen C1845987, MONDO:0010294, OMIM 300299.
Thrombocytopenia 1. Also called: THROMBOCYTOPENIA, X-LINKED, 1; X-linked thrombocytopenia with normal platelets; X-Linked Thrombocytopenia (XLT). Identifiers: Orphanet 268322, Orphanet 852, MedGen C1839163, MONDO:0010743, OMIM 313900.

Submissions (2):

Women's Health and Genetics/Laboratory Corporation of America, LabCorp
Classification: Likely pathogenic for Wiskott-Aldrich syndrome. Last evaluated: 2020-08-05. Review status: criteria provided, single submitter. Criteria: LabCorp Variant Classification Summary - May 2015. Collection method: clinical testing. Allele origin: germline.
Comment: Variant summary: WAS c.1157delC (p.Pro386LeufsX59) results in a premature termination codon, predicted to cause a truncation of the encoded protein or absence of the protein due to nonsense mediated decay, which are commonly known mechanisms for disease. Truncations downstream of this position have been classified as pathogenic by our laboratory. The variant was absent in 106816 control chromosomes (gnomAD). To our knowledge, no occurrence of c.1157delC in individuals affected with Wiskott-Aldrich Syndrome and no experimental evidence demonstrating its impact on protein function have been reported. No clinical diagnostic laboratories have submitted clinical-significance assessments for this variant to ClinVar after 2014. Based on the evidence outlined above, the variant was classified as likely pathogenic.

Labcorp Genetics (formerly Invitae), Labcorp
Classification: Pathogenic for Wiskott-Aldrich syndrome; X-linked severe congenital neutropenia; Thrombocytopenia 1. Last evaluated: 2020-05-05. Review status: criteria provided, single submitter. Criteria: Invitae Variant Classification Sherloc (09022015). Collection method: clinical testing. Allele origin: germline.
Comment: For these reasons, this variant has been classified as Pathogenic. Loss-of-function variants in WAS are known to be pathogenic (PMID: 15284122). This variant has not been reported in the literature in individuals with WAS-related conditions. The frequency data for this variant in the population databases is considered unreliable, as metrics indicate insufficient coverage at this position in the ExAC database. This sequence change creates a premature translational stop signal (p.Pro386Leufs*59) in the WAS gene. It is expected to result in an absent or disrupted protein product.

Literature cited by the submitters: PubMed 15284122 (cited by Labcorp Genetics (formerly Invitae), Labcorp).